The following is an entry in ClinVar:

ClinVar aggregate classification (germline): Likely pathogenic (1 of 4 stars; one submission).

Submission:

GeneDx
Classification: Likely pathogenic. Last evaluated: 2026-10-22. Review status: criteria provided, single submitter. Criteria: GeneDx Variant Classification Process June 2021. Collection method: clinical testing. Allele origin: germline.
Comment: In silico analysis supports that this missense variant has a deleterious effect on protein structure/function; Not observed at significant frequency in large population cohorts (gnomAD); This variant is associated with the following publications: (PMID: 29655203)

NM_172107.4(KCNQ2):c.287A>C (p.His96Pro)

Gene: KCNQ2 (potassium voltage-gated channel subfamily Q member 2; minus strand). Cytogenetic location: 20q13.33.
Variant type: single nucleotide variant.
Coding change: c.287A>C on transcript NM_172107.4 (MANE Select); coding-DNA position 287, A replaced by C.
Protein change: p.His96Pro; replaces histidine 96 with proline.
Molecular consequence: missense variant.
Genome position (GRCh38, 1-based): chr20:63,472,177, T>G on the plus strand (A>C on the coding strand, the complement: KCNQ2 is on the minus strand). VCF-style: chr20-63472177-T-G. GRCh37 (hg19) VCF-style: chr20-62103530-T-G.
Other names: c.287A>C, p.His96Pro (NM_004518.6, NM_172106.3, NM_172108.5 and 1 more transcripts); short protein forms H96P.
Identifiers: ClinVar variation 372576 (VCV000372576.2), dbSNP rs868055567, ClinGen allele CA16043143.